The following is an entry in ClinVar:

NM_001369.3(DNAH5):c.10420-2A>G

Gene: DNAH5 (dynein axonemal heavy chain 5; minus strand). Cytogenetic location: 5p15.2.
Variant type: single nucleotide variant.
Coding change: c.10420-2A>G on transcript NM_001369.3 (MANE Select); the canonical splice acceptor site of the intron before coding-DNA position 10420, A replaced by G.
Molecular consequence: splice acceptor variant.
Genome position (GRCh38, 1-based): chr5:13,754,340, T>C on the plus strand (A>G on the coding strand, the complement: DNAH5 is on the minus strand). VCF-style: chr5-13754340-T-C. GRCh37 (hg19) VCF-style: chr5-13754449-T-C.
Identifiers: ClinVar variation 3004395 (VCV003004395.3), dbSNP rs2546618928, ClinGen allele CA359194369.

ClinVar aggregate classification (germline): Likely pathogenic (1 of 4 stars; one submission).

Conditions:
Primary ciliary dyskinesia. Also called: Ciliary dyskinesia. Identifiers: Orphanet 244, MedGen C0008780, MONDO:0016575, HP:0012265.

Submission:

Labcorp Genetics (formerly Invitae), Labcorp
Classification: Likely pathogenic for Primary ciliary dyskinesia. Last evaluated: 2023-06-10. Review status: criteria provided, single submitter. Criteria: Invitae Variant Classification Sherloc (09022015). Collection method: clinical testing. Allele origin: germline.
Comment: This sequence change affects an acceptor splice site in intron 61 of the DNAH5 gene. It is expected to disrupt RNA splicing. Variants that disrupt the donor or acceptor splice site typically lead to a loss of protein function (PMID: 16199547), and loss-of-function variants in DNAH5 are known to be pathogenic (PMID: 11788826, 16627867). This variant is not present in population databases (gnomAD no frequency). This variant has not been reported in the literature in individuals affected with DNAH5-related conditions. Algorithms developed to predict the effect of sequence changes on RNA splicing suggest that this variant may disrupt the consensus splice site. In summary, the currently available evidence indicates that the variant is pathogenic, but additional data are needed to prove that conclusively. Therefore, this variant has been classified as Likely Pathogenic.

Literature cited by the submitters: PubMed 16199547; PubMed 11788826; PubMed 16627867.